The following is an entry in ClinVar:

NM_033380.3(COL4A5):c.937G>T (p.Gly313Cys)

Gene: COL4A5 (collagen type IV alpha 5 chain; plus strand). Cytogenetic location: Xq22.3.
Variant type: single nucleotide variant.
Coding change: c.937G>T on transcript NM_033380.3 (MANE Select); coding-DNA position 937, G replaced by T.
Protein change: p.Gly313Cys; replaces glycine 313 with cysteine.
Molecular consequence: missense variant.
Genome position (GRCh38, 1-based): chrX:108,582,884, G>T. VCF-style: chrX-108582884-G-T. GRCh37 (hg19) VCF-style: chrX-107826114-G-T.
Other names: c.937G>T, p.Gly313Cys (NM_000495.5); short protein forms G313C.
Identifiers: ClinVar variation 1077048 (VCV001077048.5), dbSNP rs104886084, ClinGen allele CA413927358.

ClinVar aggregate classification (germline): Likely pathogenic. Review status: criteria provided, multiple submitters, no conflicts (2 of 4 stars). 3 submissions from 3 submitters: Likely pathogenic (3). Last evaluated 2023-02-22.

Conditions:
X-linked Alport syndrome (ATS1). Also called: COL4A5-Related Nephropathy; NEPHROPATHY AND DEAFNESS, X-LINKED. Identifiers: Orphanet 63, Orphanet 88917, MedGen C4746986, MONDO:0010520, OMIM 301050.
COL4A5-related disorders.

Submissions (3):

Labcorp Genetics (formerly Invitae), Labcorp
Classification: Likely pathogenic. Last evaluated: 2023-02-22. Review status: criteria provided, single submitter. Criteria: Invitae Variant Classification Sherloc (09022015). Collection method: clinical testing. Allele origin: germline.
Comment: This variant is not present in population databases (gnomAD no frequency). This sequence change replaces glycine, which is neutral and non-polar, with cysteine, which is neutral and slightly polar, at codon 313 of the COL4A5 protein (p.Gly313Cys). This variant has not been reported in the literature in individuals affected with COL4A5-related conditions. In summary, the currently available evidence indicates that the variant is pathogenic, but additional data are needed to prove that conclusively. Therefore, this variant has been classified as Likely Pathogenic. This variant disrupts the p.Gly313 amino acid residue in COL4A5. Other variant(s) that disrupt this residue have been observed in individuals with COL4A5-related conditions (PMID: 16941480, 33330536), which suggests that this may be a clinically significant amino acid residue. This variant disrupts the triple helix domain of COL4A5. Glycine residues within the Gly-Xaa-Yaa repeats of the triple helix domain are required for the structure and stability of fibrillar collagens (PMID: 7695699, 8218237, 19344236). In COL4A5, missense variants at these glycine residues are significantly enriched in individuals with disease (PMID: 23720012, 27627812) compared to the general population (ExAC). Algorithms developed to predict the effect of sequence changes on RNA splicing suggest that this variant may create or strengthen a splice site. Experimental studies and prediction algorithms are not available or were not evaluated, and the functional significance of this variant is currently unknown. ClinVar contains an entry for this variant (Variation ID: 1077048).

Blueprint Genetics
Classification: Likely pathogenic for COL4A5-related disorders. Last evaluated: 2022-01-14. Review status: criteria provided, single submitter. Criteria: ACMG Guidelines, 2015. Collection method: clinical testing. Allele origin: germline. Affected: yes. Observed: 1 variant allele.

Precision Medicine Center, Zhengzhou University
Classification: Likely pathogenic for X-linked Alport syndrome. Review status: criteria provided, single submitter. Criteria: ACMG Guidelines, 2015. Collection method: research. Allele origin: germline. Affected: yes.
Comment: PM1:Located in a mutational hot spot PM2:not found in gnomAD PP2:Missense variant in a gene that has a low rate of benign missense variation and in which missense variants are a common mechanism of disease PP3:Multiple lines of computational evidence support a deleterious effect on the gene or gene product

Literature cited by the submitters: PubMed 16941480 (cited by Labcorp Genetics (formerly Invitae), Labcorp); PubMed 33330536 (cited by Labcorp Genetics (formerly Invitae), Labcorp); PubMed 7695699 (cited by Labcorp Genetics (formerly Invitae), Labcorp); PubMed 8218237 (cited by Labcorp Genetics (formerly Invitae), Labcorp); PubMed 19344236 (cited by Labcorp Genetics (formerly Invitae), Labcorp); PubMed 23720012 (cited by Labcorp Genetics (formerly Invitae), Labcorp); PubMed 27627812 (cited by Labcorp Genetics (formerly Invitae), Labcorp).